The following is an entry in ClinVar:

NM_145659.3(IL27):c.204+5G>A

Gene: IL27 (interleukin 27; minus strand). Cytogenetic location: 16p11.2.
Variant type: single nucleotide variant.
Coding change: c.204+5G>A on transcript NM_145659.3 (MANE Select); 5 bases into the intron after coding-DNA position 204, G replaced by A.
Molecular consequence: intron variant.
Genome position (GRCh38, 1-based): chr16:28,503,873, C>T on the plus strand (G>A on the coding strand, the complement: IL27 is on the minus strand). VCF-style: chr16-28503873-C-T. GRCh37 (hg19) VCF-style: chr16-28515194-C-T.
Identifiers: ClinVar variation 2646350 (VCV002646350.24), dbSNP rs1453439360, ClinGen allele CA2695197630.

ClinVar aggregate classification (germline): Uncertain significance (1 of 4 stars; one submission).

Submission:

CeGaT Center for Human Genetics Tuebingen
Classification: Uncertain significance. Last evaluated: 2022-04-01. Review status: criteria provided, single submitter. Criteria: CeGaT Center For Human Genetics Tuebingen Variant Classification Criteria Version 2. Collection method: clinical testing. Allele origin: germline. Affected: yes. Observed: 1 variant allele.
Comment: IL27: PM2, PP3